The following is an entry in ClinVar:

NM_001029883.3(PCARE):c.2139G>T (p.Glu713Asp)

Gene: PCARE (photoreceptor cilium actin regulator; minus strand). Cytogenetic location: 2p23.2.
Variant type: single nucleotide variant.
Coding change: c.2139G>T on transcript NM_001029883.3 (MANE Select); coding-DNA position 2139, G replaced by T.
Protein change: p.Glu713Asp; replaces glutamic acid 713 with aspartic acid.
Molecular consequence: missense variant.
Genome position (GRCh38, 1-based): chr2:29,072,123, C>A on the plus strand (G>T on the coding strand, the complement: PCARE is on the minus strand). VCF-style: chr2-29072123-C-A. GRCh37 (hg19) VCF-style: chr2-29294989-C-A.
Other names: short protein forms E713D.
Identifiers: ClinVar variation 1463469 (VCV001463469.8), dbSNP rs765319521, ClinGen allele CA1592272.

ClinVar aggregate classification (germline): Uncertain significance (1 of 4 stars; one submission).

Allele frequency attached by ClinVar (database versions not stated): gnomAD exomes below 0.00001; ExAC 0.00001; gnomAD 0.00001; TOPMed 0.00002.
gnomAD v4.1: 3 of 1,614,122 alleles (0.00019%); highest among the groups gnomAD compares: African/African-American, 0.004%; no homozygotes.

Submission:

Labcorp Genetics (formerly Invitae), Labcorp
Classification: Uncertain significance. Last evaluated: 2022-08-23. Review status: criteria provided, single submitter. Criteria: Invitae Variant Classification Sherloc (09022015). Collection method: clinical testing. Allele origin: germline.
Comment: In summary, the available evidence is currently insufficient to determine the role of this variant in disease. Therefore, it has been classified as a Variant of Uncertain Significance. Algorithms developed to predict the effect of missense changes on protein structure and function are either unavailable or do not agree on the potential impact of this missense change (SIFT: "Tolerated"; PolyPhen-2: "Possibly Damaging"; Align-GVGD: "Class C0"). ClinVar contains an entry for this variant (Variation ID: 1463469). This variant has not been reported in the literature in individuals affected with PCARE-related conditions. This variant is present in population databases (rs765319521, gnomAD 0.008%). This sequence change replaces glutamic acid, which is acidic and polar, with aspartic acid, which is acidic and polar, at codon 713 of the PCARE protein (p.Glu713Asp).